The following is an entry in ClinVar:

NM_000540.3(RYR1):c.13998+116C>T

Gene: RYR1 (ryanodine receptor 1; plus strand). Cytogenetic location: 19q13.2.
Variant type: single nucleotide variant.
Coding change: c.13998+116C>T on transcript NM_000540.3 (MANE Select); 116 bases into the intron after coding-DNA position 13998, C replaced by T.
Molecular consequence: intron variant.
Genome position (GRCh38, 1-based): chr19:38,572,386, C>T. VCF-style: chr19-38572386-C-T. GRCh37 (hg19) VCF-style: chr19-39063026-C-T.
Other names: c.13983+116C>T (NM_001042723.2).
Identifiers: ClinVar variation 678397 (VCV000678397.1), dbSNP rs367918844, ClinGen allele CA308114315.

ClinVar aggregate classification (germline): Likely benign (1 of 4 stars; one submission).

Allele frequency attached by ClinVar (database versions not stated): gnomAD 0.00389 and 0.00410; TOPMed 0.00455; 1000 Genomes Project 30x 0.00547; 1000 Genomes Project 0.00579.
gnomAD v4.1: 1,037 of 1,134,612 alleles (0.091%); highest among the groups gnomAD compares: African/African-American, 1.2%; 4 homozygotes.

Submission:

GeneDx
Classification: Likely benign. Last evaluated: 2018-06-19. Review status: criteria provided, single submitter. Criteria: GeneDx Variant Classification (06012015). Collection method: clinical testing. Allele origin: germline. Affected: yes.
Comment: This variant is considered likely benign or benign based on one or more of the following criteria: it is a conservative change, it occurs at a poorly conserved position in the protein, it is predicted to be benign by multiple in silico algorithms, and/or has population frequency not consistent with disease.